The following is an entry in ClinVar:

NM_170601.5(SIAE):c.1463_1474del (p.Glu488_Cys492delinsGly)

Gene: SIAE (sialic acid acetylesterase; minus strand). Cytogenetic location: 11q24.2.
Variant type: Deletion.
Coding change: c.1463_1474del on transcript NM_170601.5 (MANE Select); coding-DNA positions 1463 to 1474, 12 bases deleted (AATATAAGCAGT).
Protein change: p.Glu488_Cys492delinsGly.
Molecular consequence: inframe indel.
Genome position (GRCh38, 1-based): chr11:124,637,049-124,637,060, ACTGCTTATATT deleted on the plus strand (AATATAAGCAGT on the coding strand, the reverse complement: SIAE is on the minus strand). VCF-style (leftmost placement, unchanged base first): chr11-124637048-CACTGCTTATATT-C. GRCh37 (hg19) VCF-style: chr11-124506944-CACTGCTTATATT-C.
Other names: c.1358_1369del, p.Glu453_Cys457delinsGly (NM_001199922.2).
Identifiers: ClinVar variation 3615309 (VCV003615309.2).

ClinVar aggregate classification (germline): Uncertain significance (1 of 4 stars; one submission).

Submission:

Labcorp Genetics (formerly Invitae), Labcorp
Classification: Uncertain significance. Last evaluated: 2024-06-13. Review status: criteria provided, single submitter. Criteria: Invitae Variant Classification Sherloc (09022015). Collection method: clinical testing. Allele origin: germline.
Comment: This variant, c.1463_1474del, is a complex sequence change that results in the deletion of 2 and insertion of 1 amino acid(s) in the SIAE protein (p.Glu488_Cys492delinsGly). This variant is present in population databases (rs768783282, gnomAD 0.0009%). This variant has not been reported in the literature in individuals affected with SIAE-related conditions. Experimental studies and prediction algorithms are not available or were not evaluated, and the functional significance of this variant is currently unknown. In summary, the available evidence is currently insufficient to determine the role of this variant in disease. Therefore, it has been classified as a Variant of Uncertain Significance.